The following is an entry in ClinVar:

ClinVar aggregate classification (germline): Likely pathogenic (1 of 4 stars; one submission).

Conditions:
Bardet-Biedl syndrome 14 (BBS14). Identifiers: Orphanet 110, MedGen C2673874, MONDO:0014442, OMIM 615991.
Nephronophthisis 11 (NPHP11). Identifiers: Orphanet 84081, MedGen C3150796, MONDO:0013302, OMIM 613550.
COACH syndrome 1. Identifiers: Orphanet 1454, MedGen C5435651, MONDO:0800103, OMIM 216360, MONDO:0008996.
Meckel syndrome, type 3 (MKS3). Also called: MECKEL-GRUBER SYNDROME, TYPE 3. Identifiers: Orphanet 564, MedGen C1846357, MONDO:0011821, OMIM 607361.
Joubert syndrome 6 (JBTS6). Identifiers: Orphanet 475, MedGen C1853153, MONDO:0012539, OMIM 610688.
RHYNS syndrome. Also called: RETINITIS PIGMENTOSA SYNDROME; RETINITIS PIGMENTOSA, HYPOPITUITARISM, NEPHRONOPHTHISIS, AND MILD SKELETAL DYSPLASIA. Identifiers: Orphanet 140976, MedGen C1865794, MONDO:0011202, OMIM 602152.

Submission:

Juno Genomics, Hangzhou Juno Genomics, Inc
Classification: Likely pathogenic for RHYNS syndrome; Bardet-Biedl syndrome 14; COACH syndrome 1; Joubert syndrome 6; Meckel syndrome, type 3; Nephronophthisis 11. Review status: criteria provided, single submitter. Criteria: ACMG Guidelines, 2015. Collection method: clinical testing. Allele origin: germline.
Comment: Null variant in a gene where loss of function (LOF) is a known mechanism of disease.;Absent from controls (or at extremely low frequency if recessive) in Genome Aggregation Database.

NM_153704.6(TMEM67):c.814C>T (p.Gln272Ter)

Gene: TMEM67 (transmembrane protein 67; plus strand). Cytogenetic location: 8q22.1.
Variant type: single nucleotide variant.
Coding change: c.814C>T on transcript NM_153704.6 (MANE Select); coding-DNA position 814, C replaced by T.
Protein change: p.Gln272Ter; replaces glutamine 272 with a stop codon.
Molecular consequence: nonsense. On other transcripts: non-coding transcript variant (1).
Genome position (GRCh38, 1-based): chr8:93,780,692, C>T. VCF-style: chr8-93780692-C-T. GRCh37 (hg19) VCF-style: chr8-94792920-C-T.
Other names: c.571C>T, p.Gln191Ter (NM_001142301.1); short protein forms Q272*, Q191*.
Identifiers: ClinVar variation 5007351 (VCV005007351.2).